The following is an entry in ClinVar:

ClinVar aggregate classification (germline): Likely pathogenic (1 of 4 stars; one submission).

Conditions:
COL5A2-related disorder. Also called: COL5A2-related condition.

gnomAD v4.1: 1 of 1,613,860 alleles (0.000062%); highest among the groups gnomAD compares: African/African-American, 0.0013%; no homozygotes.

Submission:

PreventionGenetics, part of Exact Sciences
Classification: Likely pathogenic for COL5A2-related condition. Last evaluated: 2025-05-10. Review status: criteria provided, single submitter. Criteria: ACMG Guidelines, 2015. Collection method: clinical testing. Allele origin: germline.
Comment: The COL5A2 c.3437G>C variant is predicted to result in the amino acid substitution p.Gly1146Ala. This variant was reported in an individual with classical Ehlers-Danlos syndrome (Mitchell et al. 2009. PubMed ID: 19370768). This variant impacts a glycine residue of the conserved collagen triple helical region (Gly-X-Y) where glycine changes are typically expected to be pathogenic. This variant is reported in 0.0062% of alleles in individuals of African descent in gnomAD. This variant is interpreted as likely pathogenic.

NM_000393.5(COL5A2):c.3437G>C (p.Gly1146Ala)

Gene: COL5A2 (collagen type V alpha 2 chain; minus strand). Cytogenetic location: 2q32.2.
Variant type: single nucleotide variant.
Coding change: c.3437G>C on transcript NM_000393.5 (MANE Select); coding-DNA position 3437, G replaced by C.
Protein change: p.Gly1146Ala; replaces glycine 1146 with alanine.
Molecular consequence: missense variant.
Genome position (GRCh38, 1-based): chr2:189,043,185, C>G on the plus strand (G>C on the coding strand, the complement: COL5A2 is on the minus strand). VCF-style: chr2-189043185-C-G. GRCh37 (hg19) VCF-style: chr2-189907911-C-G.
Other names: short protein forms G1146A.
Identifiers: ClinVar variation 4986203 (VCV004986203.1).